The following is an entry in ClinVar:

ClinVar aggregate classification (germline): Pathogenic. Review status: criteria provided, single submitter (1 of 4 stars). 2 submissions from 2 submitters: Pathogenic (1). 1 of the submissions does not count toward it. Last evaluated 2024-03-15.

Conditions:
Familial thoracic aortic aneurysm and aortic dissection (TAAD). Also called: Thoracic aortic aneurysms and dissections. Identifiers: Orphanet 91387, MedGen C4707243, MONDO:0019625.
Marfan syndrome (MFS). Also called: Marfan syndrome type 1; Marfan syndrome, classic; Marfan's syndrome; FBN1-Related Marfan Syndrome; MARFAN SYNDROME, TYPE I. Identifiers: Orphanet 284963, Orphanet 558, MedGen C0024796, MONDO:0007947, OMIM 154700.

Submissions (2):

Labcorp Genetics (formerly Invitae), Labcorp
Classification: Pathogenic for Marfan syndrome; Familial thoracic aortic aneurysm and aortic dissection. Last evaluated: 2024-03-15. Review status: criteria provided, single submitter. Criteria: Invitae Variant Classification Sherloc (09022015). Collection method: clinical testing. Allele origin: germline.
Comment: This sequence change replaces cysteine, which is neutral and slightly polar, with tyrosine, which is neutral and polar, at codon 1339 of the FBN1 protein (p.Cys1339Tyr). This variant is not present in population databases (gnomAD no frequency). This missense change has been observed in individuals with Marfan syndrome (PMID: 11700157; Invitae). ClinVar contains an entry for this variant (Variation ID: 549200). Advanced modeling of protein sequence and biophysical properties (such as structural, functional, and spatial information, amino acid conservation, physicochemical variation, residue mobility, and thermodynamic stability) performed at Invitae indicates that this missense variant is expected to disrupt FBN1 protein function with a positive predictive value of 95%. This variant affects a cysteine residue in the EGF-like, TGFBP or hybrid motif domains of FBN1. Cysteine residues are believed to be involved in intramolecular disulfide bridges and have been shown to be important for FBN1 protein structure (PMID: 16905551, 19349279). In addition, missense substitutions affecting cysteine residues within these domains are significantly overrepresented among patients with Marfan syndrome (PMID: 16571647, 17701892). This variant disrupts the p.Cys1339 amino acid residue in FBN1. Other variant(s) that disrupt this residue have been observed in individuals with FBN1-related conditions (PMID: 27906200), which suggests that this may be a clinically significant amino acid residue. For these reasons, this variant has been classified as Pathogenic.

Center for Medical Genetics Ghent, University of Ghent
Classification: Likely pathogenic for Marfan syndrome. Last evaluated: 2017-11-07. Review status: no assertion criteria provided. Collection method: clinical testing. Allele origin: germline. Affected: yes. Not counted in ClinVar's aggregate classification.

Literature cited by the submitters: PubMed 11700157 (cited by Labcorp Genetics (formerly Invitae), Labcorp); PubMed 16905551 (cited by Labcorp Genetics (formerly Invitae), Labcorp); PubMed 19349279 (cited by Labcorp Genetics (formerly Invitae), Labcorp); PubMed 16571647 (cited by Labcorp Genetics (formerly Invitae), Labcorp); PubMed 17701892 (cited by Labcorp Genetics (formerly Invitae), Labcorp); PubMed 27906200 (cited by Labcorp Genetics (formerly Invitae), Labcorp).

NM_000138.5(FBN1):c.4016G>A (p.Cys1339Tyr)

Gene: FBN1 (fibrillin 1; minus strand). Cytogenetic location: 15q21.1.
Variant type: single nucleotide variant.
Coding change: c.4016G>A on transcript NM_000138.5 (MANE Select); coding-DNA position 4016, G replaced by A.
Protein change: p.Cys1339Tyr; replaces cysteine 1339 with tyrosine.
Molecular consequence: missense variant.
Genome position (GRCh38, 1-based): chr15:48,474,599, C>T on the plus strand (G>A on the coding strand, the complement: FBN1 is on the minus strand). VCF-style: chr15-48474599-C-T. GRCh37 (hg19) VCF-style: chr15-48766796-C-T.
Other names: short protein forms C1339Y.
Identifiers: ClinVar variation 549200 (VCV000549200.10), dbSNP rs397515798, ClinGen allele CA392320554.
Genomic context (GRCh38, chr15:48,474,599, plus strand): 5'-ATGCCATCTCCAATCCACCCGGGACTGCAGCTACATTTGAAGCTTCCTGCTGTATTGGTA[C>T]ATACAGCATGTTTGCCACAGTTGTGTGCTCCAATTTCACATTCATTGATGTCTGGAAAAA-3'
Protein context (NP_000129.3, residues 1329-1349): GAHNCGKHAV[Cys1339Tyr]TNTAGSFKCS